The following is an entry in ClinVar:

ClinVar aggregate classification (germline): Uncertain significance. Review status: criteria provided, multiple submitters, no conflicts (2 of 4 stars). 3 submissions from 3 submitters: Uncertain significance (3). Last evaluated 2025-12-04.

Conditions:
Inborn genetic diseases. Identifiers: MedGen C0950123, MeSH D030342.

Allele frequency attached by ClinVar (database versions not stated): gnomAD 0.00001; gnomAD exomes 0.00001; TOPMed 0.00002; ExAC 0.00005; ESP Exome Variant Server 0.00008.
gnomAD v4.1: 13 of 1,553,248 alleles (0.00084%); highest among the groups gnomAD compares: Non-Finnish European, 0.00096%; no homozygotes.

Submissions (3):

Ambry Genetics
Classification: Uncertain significance for Inborn genetic diseases. Last evaluated: 2025-12-04. Review status: criteria provided, single submitter. Criteria: Ambry Variant Classification Scheme 2023. Collection method: clinical testing. Allele origin: germline.

Labcorp Genetics (formerly Invitae), Labcorp
Classification: Uncertain significance. Last evaluated: 2025-03-17. Review status: criteria provided, single submitter. Criteria: Invitae Variant Classification Sherloc (09022015). Collection method: clinical testing. Allele origin: germline.
Comment: This sequence change replaces cysteine, which is neutral and slightly polar, with phenylalanine, which is neutral and non-polar, at codon 872 of the CACNA2D4 protein (p.Cys872Phe). The frequency data for this variant in the population databases is considered unreliable, as metrics indicate poor data quality at this position in the gnomAD database. This variant has not been reported in the literature in individuals affected with CACNA2D4-related conditions. ClinVar contains an entry for this variant (Variation ID: 1058541). An algorithm developed to predict the effect of missense changes on protein structure and function (PolyPhen-2) suggests that this variant is likely to be disruptive. In summary, the available evidence is currently insufficient to determine the role of this variant in disease. Therefore, it has been classified as a Variant of Uncertain Significance.

Blueprint Genetics
Classification: Uncertain significance. Last evaluated: 2021-08-16. Review status: criteria provided, single submitter. Criteria: ACMG Guidelines, 2015. Collection method: clinical testing. Allele origin: germline.

NM_172364.5(CACNA2D4):c.2615G>T (p.Cys872Phe)

Gene: CACNA2D4 (calcium voltage-gated channel auxiliary subunit alpha2delta 4; minus strand). Cytogenetic location: 12p13.33.
Variant type: single nucleotide variant.
Coding change: c.2615G>T on transcript NM_172364.5 (MANE Select); coding-DNA position 2615, G replaced by T.
Protein change: p.Cys872Phe; replaces cysteine 872 with phenylalanine.
Molecular consequence: missense variant.
Genome position (GRCh38, 1-based): chr12:1,810,586, C>A on the plus strand (G>T on the coding strand, the complement: CACNA2D4 is on the minus strand). VCF-style: chr12-1810586-C-A. GRCh37 (hg19) VCF-style: chr12-1919752-C-A.
Other names: c.2615G>T (NM_172364.4); short protein forms C872F.
Identifiers: ClinVar variation 1058541 (VCV001058541.11), dbSNP rs371675441, ClinGen allele CA6386284.